The following is an entry in ClinVar:

NM_182914.3(SYNE2):c.149C>T (p.Ser50Phe)

Gene: SYNE2 (spectrin repeat containing nuclear envelope protein 2; plus strand). Cytogenetic location: 14q23.2.
Variant type: single nucleotide variant.
Coding change: c.149C>T on transcript NM_182914.3 (MANE Select); coding-DNA position 149, C replaced by T.
Protein change: p.Ser50Phe; replaces serine 50 with phenylalanine.
Molecular consequence: missense variant.
Genome position (GRCh38, 1-based): chr14:63,941,702, C>T. VCF-style: chr14-63941702-C-T. GRCh37 (hg19) VCF-style: chr14-64408420-C-T.
Other names: c.149C>T, p.Ser50Phe (NM_015180.6); short protein forms S50F.
Identifiers: ClinVar variation 3618067 (VCV003618067.2).

ClinVar aggregate classification (germline): Uncertain significance (1 of 4 stars; one submission).

Conditions:
Emery-Dreifuss muscular dystrophy 5, autosomal dominant (EDMD5). Also called: EMERY-DREIFUSS MUSCULAR DYSTROPHY 5. Identifiers: Orphanet 261, MedGen C2751805, MONDO:0013072, OMIM 612999.

Submission:

Labcorp Genetics (formerly Invitae), Labcorp
Classification: Uncertain significance for Emery-Dreifuss muscular dystrophy 5, autosomal dominant. Last evaluated: 2024-06-19. Review status: criteria provided, single submitter. Criteria: Invitae Variant Classification Sherloc (09022015). Collection method: clinical testing. Allele origin: germline.
Comment: This sequence change replaces serine, which is neutral and polar, with phenylalanine, which is neutral and non-polar, at codon 50 of the SYNE2 protein (p.Ser50Phe). This variant is not present in population databases (gnomAD no frequency). This variant has not been reported in the literature in individuals affected with SYNE2-related conditions. An algorithm developed to predict the effect of missense changes on protein structure and function (PolyPhen-2) suggests that this variant is likely to be disruptive. In summary, the available evidence is currently insufficient to determine the role of this variant in disease. Therefore, it has been classified as a Variant of Uncertain Significance.